The following is an entry in ClinVar:

ClinVar aggregate classification (germline): Uncertain significance (1 of 4 stars; one submission).

Conditions:
Brugada syndrome. Also called: Sudden unexpected nocturnal death syndrome; Sudden Unexplained Death Syndrome; Sudden Unexplained Nocturnal Death Syndrome (SUNDS); Sudden unexplained nocturnal death syndrome. Identifiers: Orphanet 130, MedGen C1142166, MONDO:0015263.

Submission:

Labcorp Genetics (formerly Invitae), Labcorp
Classification: Uncertain significance for Brugada syndrome. Last evaluated: 2026-01-12. Review status: criteria provided, single submitter. Criteria: Invitae Variant Classification Sherloc (09022015). Collection method: clinical testing. Allele origin: germline.
Comment: This sequence change replaces aspartic acid, which is acidic and polar, with asparagine, which is neutral and polar, at codon 57 of the KCNE5 protein (p.Asp57Asn). This variant is present in population databases (rs757142006, gnomAD 0.005%). This variant has not been reported in the literature in individuals affected with KCNE5-related conditions. ClinVar contains an entry for this variant (Variation ID: 3718027). An algorithm developed to predict the effect of missense changes on protein structure and function outputs the following: PolyPhen-2: "Benign". The asparagine amino acid residue is found in multiple mammalian species, which suggests that this missense change does not adversely affect protein function. In summary, the available evidence is currently insufficient to determine the role of this variant in disease. Therefore, it has been classified as a Variant of Uncertain Significance.

NM_012282.4(KCNE5):c.169G>A (p.Asp57Asn)

Gene: KCNE5 (potassium voltage-gated channel subfamily E regulatory subunit 5; minus strand). Cytogenetic location: Xq23.
Variant type: single nucleotide variant.
Coding change: c.169G>A on transcript NM_012282.4 (MANE Select); coding-DNA position 169, G replaced by A.
Protein change: p.Asp57Asn; replaces aspartic acid 57 with asparagine.
Molecular consequence: missense variant.
Genome position (GRCh38, 1-based): chrX:109,624,852, C>T on the plus strand (G>A on the coding strand, the complement: KCNE5 is on the minus strand). VCF-style: chrX-109624852-C-T. GRCh37 (hg19) VCF-style: chrX-108868081-C-T.
Other names: short protein forms D57N.
Identifiers: ClinVar variation 3718027 (VCV003718027.2).